The following is an entry in ClinVar:

ClinVar aggregate classification (germline): Pathogenic/Likely pathogenic. Review status: criteria provided, multiple submitters, no conflicts (2 of 4 stars). 2 submissions from 2 submitters: Pathogenic (1); Likely pathogenic (1). Last evaluated 2025-03-22.

Conditions:
ARL6-related disorder. Also called: ARL6-related condition.
Retinitis pigmentosa 55 (RP55). Identifiers: Orphanet 791, MedGen C3150808, MONDO:0013312, OMIM 613575.
Bardet-Biedl syndrome 3 (BBS3). Identifiers: Orphanet 110, MedGen C1859564, MONDO:0010832, OMIM 600151.

Submissions (2):

PreventionGenetics, part of Exact Sciences
Classification: Likely pathogenic for ARL6-related condition. Last evaluated: 2025-03-22. Review status: criteria provided, single submitter. Criteria: ACMG Guidelines, 2015. Collection method: clinical testing. Allele origin: germline.
Comment: The ARL6 c.506delG variant is predicted to result in a frameshift and premature protein termination (p.Gly169Alafs*6). This variant was reported in the homozygous and compound heterozygous states in several individuals from a cohort of patients with inherited eye diseases (Supplementary Table 1 in Schlottmann et al. 2023. PubMed ID: 37217489). This variant is reported in 0.0065% of alleles in individuals of European (Non-Finnish) descent in gnomAD. Frameshift variants in ARL6 are expected to be pathogenic. This variant is interpreted as likely pathogenic.

Labcorp Genetics (formerly Invitae), Labcorp
Classification: Pathogenic for Retinitis pigmentosa 55; Bardet-Biedl syndrome 3. Last evaluated: 2024-02-01. Review status: criteria provided, single submitter. Criteria: Invitae Variant Classification Sherloc (09022015). Collection method: clinical testing. Allele origin: germline.
Comment: This sequence change creates a premature translational stop signal (p.Gly169Alafs*6) in the ARL6 gene. While this is not anticipated to result in nonsense mediated decay, it is expected to disrupt the last 18 amino acid(s) of the ARL6 protein. This variant is present in population databases (no rsID available, gnomAD 0.007%). This premature translational stop signal has been observed in individuals with retinitis pigmentosa (Invitae). ClinVar contains an entry for this variant (Variation ID: 861499). This variant disrupts the p.Gly169 amino acid residue in ARL6. Other variant(s) that disrupt this residue have been determined to be pathogenic (PMID: 15314642, 19236846). This suggests that this residue is clinically significant, and that variants that disrupt this residue are likely to be disease-causing. For these reasons, this variant has been classified as Pathogenic.

Literature cited by the submitters: PubMed 15314642 (cited by Labcorp Genetics (formerly Invitae), Labcorp); PubMed 19236846 (cited by Labcorp Genetics (formerly Invitae), Labcorp).

NM_001278293.3(ARL6):c.506del (p.Gly169fs)

Gene: ARL6 (ARF like GTPase 6; plus strand). Cytogenetic location: 3q11.2.
Variant type: Deletion.
Coding change: c.506del on transcript NM_001278293.3 (MANE Select); coding-DNA position 506, one base deleted (G; older notation c.506delG).
Protein change: p.Gly169fs; shifts the reading frame from glycine 169.
Molecular consequence: frameshift variant. On other transcripts: non-coding transcript variant (6), intron variant (1).
Genome position (GRCh38, 1-based): chr3:97,791,797, G deleted; the last of 2 consecutive G bases (chr3:97,791,796-97,791,797); deleting either gives the same sequence. VCF-style (leftmost placement, unchanged base first): chr3-97791795-AG-A. GRCh37 (hg19) VCF-style: chr3-97510639-AG-A.
Other names: c.506del, p.Gly169fs (NM_001323513.2, NM_032146.5, NM_177976.3); c.479+3678del (NM_001323514.2); c.506delG (NM_032146.5); short protein forms G169fs.
Identifiers: ClinVar variation 861499 (VCV000861499.7), dbSNP rs1402463567, ClinGen allele CA544504719.